The following is an entry in ClinVar:

NM_006231.4(POLE):c.5744T>C (p.Leu1915Pro)

Gene: POLE (DNA polymerase epsilon, catalytic subunit; minus strand). Cytogenetic location: 12q24.33.
Variant type: single nucleotide variant.
Coding change: c.5744T>C on transcript NM_006231.4 (MANE Select); coding-DNA position 5744, T replaced by C.
Protein change: p.Leu1915Pro; replaces leucine 1915 with proline.
Molecular consequence: missense variant.
Genome position (GRCh38, 1-based): chr12:132,635,959, A>G on the plus strand (T>C on the coding strand, the complement: POLE is on the minus strand). VCF-style: chr12-132635959-A-G. GRCh37 (hg19) VCF-style: chr12-133212545-A-G.
Other names: short protein forms L1915P.
Identifiers: ClinVar variation 663544 (VCV000663544.8), dbSNP rs1593715436, ClinGen allele CA387373044.
Genomic context (GRCh38, chr12:132,635,959, plus strand): 5'-CAGTGAATACGAGATGAAACTTTTCCTTTGATTCCGCCATAGTTAGATGGATCCATCCAG[A>G]GAAGAAATTCCCAGCATCGAGAGAAAGAAATTGTCAGAGAATGGAAGGTCTCCTTTGAAT-3'
Protein context (NP_006222.2, residues 1905-1925): ISFSRCWEFL[Leu1915Pro]WMDPSNYGGI

ClinVar aggregate classification (germline): Uncertain significance (1 of 4 stars; one submission).

Submission:

Labcorp Genetics (formerly Invitae), Labcorp
Classification: Uncertain significance. Last evaluated: 2018-08-18. Review status: criteria provided, single submitter. Criteria: Invitae Variant Classification Sherloc (09022015). Collection method: clinical testing. Allele origin: germline.
Comment: This sequence change replaces leucine with proline at codon 1915 of the POLE protein (p.Leu1915Pro). The leucine residue is highly conserved and there is a moderate physicochemical difference between leucine and proline. This variant is not present in population databases (ExAC no frequency). This variant has not been reported in the literature in individuals with POLE-related disease. Algorithms developed to predict the effect of missense changes on protein structure and function (SIFT, PolyPhen-2, Align-GVGD) all suggest that this variant is likely to be disruptive, but these predictions have not been confirmed by published functional studies and their clinical significance is uncertain. In summary, the available evidence is currently insufficient to determine the role of this variant in disease. Therefore, it has been classified as a Variant of Uncertain Significance.